The following is an entry in ClinVar:

NM_001378477.3(NYX):c.685C>T (p.His229Tyr)

Gene: NYX (nyctalopin; plus strand). Cytogenetic location: Xp11.4.
Variant type: single nucleotide variant.
Coding change: c.685C>T on transcript NM_001378477.3 (MANE Select); coding-DNA position 685, C replaced by T.
Protein change: p.His229Tyr; replaces histidine 229 with tyrosine.
Molecular consequence: missense variant.
Genome position (GRCh38, 1-based): chrX:41,474,153, C>T. VCF-style: chrX-41474153-C-T. GRCh37 (hg19) VCF-style: chrX-41333406-C-T.
Other names: c.685C>T, p.His229Tyr (NM_022567.3); short protein forms H229Y.
Identifiers: ClinVar variation 3620558 (VCV003620558.2).

ClinVar aggregate classification (germline): Uncertain significance (1 of 4 stars; one submission).

gnomAD v4.1: 1 of 1,146,106 alleles (0.000087%); highest among the groups gnomAD compares: Non-Finnish European, 0.00012%; no homozygotes.

Submission:

Labcorp Genetics (formerly Invitae), Labcorp
Classification: Uncertain significance. Last evaluated: 2024-08-29. Review status: criteria provided, single submitter. Criteria: Invitae Variant Classification Sherloc (09022015). Collection method: clinical testing. Allele origin: germline.
Comment: This sequence change replaces histidine, which is basic and polar, with tyrosine, which is neutral and polar, at codon 234 of the NYX protein (p.His234Tyr). This variant is not present in population databases (gnomAD no frequency). This variant has not been reported in the literature in individuals affected with NYX-related conditions. Invitae Evidence Modeling of protein sequence and biophysical properties (such as structural, functional, and spatial information, amino acid conservation, physicochemical variation, residue mobility, and thermodynamic stability) indicates that this missense variant is not expected to disrupt NYX protein function with a negative predictive value of 80%. In summary, the available evidence is currently insufficient to determine the role of this variant in disease. Therefore, it has been classified as a Variant of Uncertain Significance.